The following is an entry in ClinVar:

ClinVar aggregate classification (germline): Uncertain significance. Review status: criteria provided, multiple submitters, no conflicts (2 of 4 stars). 2 submissions from 2 submitters: Uncertain significance (2). Last evaluated 2025-07-16.

Conditions:
Catecholaminergic polymorphic ventricular tachycardia 1. Also called: VENTRICULAR TACHYCARDIA, STRESS-INDUCED POLYMORPHIC 1; VENTRICULAR TACHYCARDIA, CATECHOLAMINERGIC POLYMORPHIC, 1, WITH OR WITHOUT ATRIAL DYSFUNCTION AND/OR DILATED CARDIOMYOPATHY; RYR2-Related Catecholaminergic Polymorphic Ventricular Tachycardia. Identifiers: Orphanet 3286, MedGen C1631597, MONDO:0011484, OMIM 604772.

Submissions (2):

Labcorp Genetics (formerly Invitae), Labcorp
Classification: Uncertain significance for Catecholaminergic polymorphic ventricular tachycardia 1. Last evaluated: 2025-07-16. Review status: criteria provided, single submitter. Criteria: Invitae Variant Classification Sherloc (09022015). Collection method: clinical testing. Allele origin: germline.
Comment: This sequence change replaces alanine, which is neutral and non-polar, with aspartic acid, which is acidic and polar, at codon 2883 of the RYR2 protein (p.Ala2883Asp). This variant is not present in population databases (gnomAD no frequency). This variant has not been reported in the literature in individuals affected with RYR2-related conditions. ClinVar contains an entry for this variant (Variation ID: 3364811). Invitae Evidence Modeling of protein sequence and biophysical properties (such as structural, functional, and spatial information, amino acid conservation, physicochemical variation, residue mobility, and thermodynamic stability) indicates that this missense variant is not expected to disrupt RYR2 protein function with a negative predictive value of 95%. In summary, the available evidence is currently insufficient to determine the role of this variant in disease. Therefore, it has been classified as a Variant of Uncertain Significance.

GeneDx
Classification: Uncertain significance. Last evaluated: 2023-12-11. Review status: criteria provided, single submitter. Criteria: GeneDx Variant Classification Process June 2021. Collection method: clinical testing. Allele origin: germline. Affected: yes.
Comment: Has not been previously published as pathogenic or benign to our knowledge; Not observed at significant frequency in large population cohorts (gnomAD); In silico analysis supports that this missense variant has a deleterious effect on protein structure/function

NM_001035.3(RYR2):c.8648C>A (p.Ala2883Asp)

Gene: RYR2 (ryanodine receptor 2; plus strand). Cytogenetic location: 1q43.
Variant type: single nucleotide variant.
Coding change: c.8648C>A on transcript NM_001035.3 (MANE Select); coding-DNA position 8648, C replaced by A.
Protein change: p.Ala2883Asp; replaces alanine 2883 with aspartic acid.
Molecular consequence: missense variant.
Genome position (GRCh38, 1-based): chr1:237,674,153, C>A. VCF-style: chr1-237674153-C-A. GRCh37 (hg19) VCF-style: chr1-237837453-C-A.
Other names: short protein forms A2883D.
Identifiers: ClinVar variation 3364811 (VCV003364811.3).